The following is an entry in ClinVar:

ClinVar aggregate classification (germline): Uncertain significance (1 of 4 stars; one submission).

Allele frequency attached by ClinVar (database versions not stated): TOPMed below 0.00001.

Submission:

Labcorp Genetics (formerly Invitae), Labcorp
Classification: Uncertain significance. Last evaluated: 2024-08-13. Review status: criteria provided, single submitter. Criteria: Invitae Variant Classification Sherloc (09022015). Collection method: clinical testing. Allele origin: germline.
Comment: This sequence change replaces isoleucine, which is neutral and non-polar, with threonine, which is neutral and polar, at codon 1351 of the LRP5 protein (p.Ile1351Thr). This variant is not present in population databases (gnomAD no frequency). This variant has not been reported in the literature in individuals affected with LRP5-related conditions. ClinVar contains an entry for this variant (Variation ID: 2005844). Invitae Evidence Modeling of protein sequence and biophysical properties (such as structural, functional, and spatial information, amino acid conservation, physicochemical variation, residue mobility, and thermodynamic stability) indicates that this missense variant is not expected to disrupt LRP5 protein function with a negative predictive value of 95%. In summary, the available evidence is currently insufficient to determine the role of this variant in disease. Therefore, it has been classified as a Variant of Uncertain Significance.

NM_002335.4(LRP5):c.4052T>C (p.Ile1351Thr)

Gene: LRP5 (LDL receptor related protein 5; plus strand). Cytogenetic location: 11q13.2.
Variant type: single nucleotide variant.
Coding change: c.4052T>C on transcript NM_002335.4 (MANE Select); coding-DNA position 4052, T replaced by C.
Protein change: p.Ile1351Thr; replaces isoleucine 1351 with threonine.
Molecular consequence: missense variant.
Genome position (GRCh38, 1-based): chr11:68,436,940, T>C. VCF-style: chr11-68436940-T-C. GRCh37 (hg19) VCF-style: chr11-68204408-T-C.
Other names: c.2309T>C, p.Ile770Thr (NM_001291902.2); short protein forms I770T, I1351T.
Identifiers: ClinVar variation 2005844 (VCV002005844.4), dbSNP rs2098675343, ClinGen allele CA381614517.